The following is an entry in ClinVar:

ClinVar aggregate classification (germline): Uncertain significance. Review status: criteria provided, multiple submitters, no conflicts (2 of 4 stars). 2 submissions from 2 submitters: Uncertain significance (2). Last evaluated 2022-10-31.

Conditions:
Fanconi anemia (FA). Also called: Fanconi's anemia. Identifiers: Orphanet 84, MedGen C0015625, MeSH D005199, MONDO:0019391.
Fanconi anemia complementation group I (FANCI). Also called: FANCI-Related Fanconi Anemia. Identifiers: Orphanet 84, MedGen C1836861, MONDO:0012186, OMIM 609053.

Allele frequency attached by ClinVar (database versions not stated): gnomAD 0.00001; TOPMed 0.00004.
gnomAD v4.1: 1 of 1,552,196 alleles (0.000064%); highest among the groups gnomAD compares: African/African-American, 0.0014%; no homozygotes.

Submissions (2):

Labcorp Genetics (formerly Invitae), Labcorp
Classification: Uncertain significance for Fanconi anemia. Last evaluated: 2022-10-31. Review status: criteria provided, single submitter. Criteria: Invitae Variant Classification Sherloc (09022015). Collection method: clinical testing. Allele origin: germline.
Comment: This sequence change replaces glutamine, which is neutral and polar, with histidine, which is basic and polar, at codon 848 of the FANCI protein (p.Gln848His). This variant is not present in population databases (gnomAD no frequency). This variant has not been reported in the literature in individuals affected with FANCI-related conditions. ClinVar contains an entry for this variant (Variation ID: 1036366). Algorithms developed to predict the effect of missense changes on protein structure and function are either unavailable or do not agree on the potential impact of this missense change (SIFT: "Deleterious"; PolyPhen-2: "Benign"; Align-GVGD: "Class C0"). In summary, the available evidence is currently insufficient to determine the role of this variant in disease. Therefore, it has been classified as a Variant of Uncertain Significance.

Fulgent Genetics
Classification: Uncertain significance for Fanconi anemia complementation group I. Last evaluated: 2021-11-22. Review status: criteria provided, single submitter. Criteria: ACMG Guidelines, 2015. Collection method: clinical testing. Allele origin: unknown.

NM_001113378.2(FANCI):c.2544G>C (p.Gln848His)

Gene: FANCI (FA complementation group I; plus strand). Cytogenetic location: 15q26.1.
Variant type: single nucleotide variant.
Coding change: c.2544G>C on transcript NM_001113378.2 (MANE Select); coding-DNA position 2544, G replaced by C.
Protein change: p.Gln848His; replaces glutamine 848 with histidine.
Molecular consequence: missense variant. On other transcripts: intron variant (1).
Genome position (GRCh38, 1-based): chr15:89,295,002, G>C. VCF-style: chr15-89295002-G-C. GRCh37 (hg19) VCF-style: chr15-89838233-G-C.
Other names: c.2265G>C, p.Gln755His (NM_001376910.1); c.2544G>C, p.Gln848His (NM_001376911.1); c.2456+1005G>C (NM_018193.3); short protein forms Q848H, Q755H.
Identifiers: ClinVar variation 1036366 (VCV001036366.7), dbSNP rs777269384, ClinGen allele CA393750867.